The following is an entry in ClinVar:

ClinVar aggregate classification (germline): Uncertain significance. Review status: criteria provided, multiple submitters, no conflicts (2 of 4 stars). 2 submissions from 2 submitters: Uncertain significance (2). Last evaluated 2025-08-29.

Conditions:
Inborn genetic diseases. Identifiers: MedGen C0950123, MeSH D030342.

gnomAD v4.1: 4 of 1,613,964 alleles (0.00025%); highest among the groups gnomAD compares: Admixed American, 0.0033%; no homozygotes.

Submissions (2):

Ambry Genetics
Classification: Uncertain significance for Inborn genetic diseases. Last evaluated: 2025-08-29. Review status: criteria provided, single submitter. Criteria: Ambry Variant Classification Scheme 2023. Collection method: clinical testing. Allele origin: germline.

Labcorp Genetics (formerly Invitae), Labcorp
Classification: Uncertain significance. Last evaluated: 2023-05-08. Review status: criteria provided, single submitter. Criteria: Invitae Variant Classification Sherloc (09022015). Collection method: clinical testing. Allele origin: germline.
Comment: In summary, the available evidence is currently insufficient to determine the role of this variant in disease. Therefore, it has been classified as a Variant of Uncertain Significance. Advanced modeling of protein sequence and biophysical properties (such as structural, functional, and spatial information, amino acid conservation, physicochemical variation, residue mobility, and thermodynamic stability) performed at Invitae indicates that this missense variant is not expected to disrupt LPIN1 protein function. ClinVar contains an entry for this variant (Variation ID: 1421386). This missense change has been observed in individual(s) with clinical feature of myoglobinuria (Invitae). In at least one individual the data is consistent with being in trans (on the opposite chromosome) from a pathogenic variant. This variant is not present in population databases (gnomAD no frequency). This sequence change replaces arginine, which is basic and polar, with proline, which is neutral and non-polar, at codon 37 of the LPIN1 protein (p.Arg37Pro).

NM_001349206.2(LPIN1):c.110G>C (p.Arg37Pro)

Gene: LPIN1 (lipin 1; plus strand). Cytogenetic location: 2p25.1.
Variant type: single nucleotide variant.
Coding change: c.110G>C on transcript NM_001349206.2 (MANE Select); coding-DNA position 110, G replaced by C.
Protein change: p.Arg37Pro; replaces arginine 37 with proline.
Molecular consequence: missense variant. On other transcripts: non-coding transcript variant (1).
Genome position (GRCh38, 1-based): chr2:11,765,651, G>C. VCF-style: chr2-11765651-G-C. GRCh37 (hg19) VCF-style: chr2-11905777-G-C.
Other names: c.110G>C (NM_145693.1); c.128G>C, p.Arg43Pro (NM_001261427.3); c.257G>C, p.Arg86Pro (NM_001261428.3, NM_001349208.2); c.110G>C, p.Arg37Pro (NM_001349199.2, NM_001349200.2, NM_001349201.2 and 5 more transcripts); c.200G>C, p.Arg67Pro (NM_001349207.2); short protein forms R67P, R37P, R43P, R86P.
Identifiers: ClinVar variation 1421386 (VCV001421386.5), dbSNP rs774490262, ClinGen allele CA345851416.